The following is an entry in ClinVar:

NM_005068.3(SIM1):c.1233G>T (p.Leu411Phe)

Genes: SIM1 (SIM bHLH transcription factor 1; minus strand), SIM1-AS1 (SIM1 antisense RNA 1; plus strand). Cytogenetic location: 6q16.3.
Variant type: single nucleotide variant.
Coding change: c.1233G>T on transcript NM_005068.3 (MANE Select); coding-DNA position 1233, G replaced by T.
Protein change: p.Leu411Phe; replaces leucine 411 with phenylalanine.
Molecular consequence: missense variant. On other transcripts: non-coding transcript variant (1).
Genome position (GRCh38, 1-based): chr6:100,393,824, C>A on the plus strand (G>T on the coding strand, the complement: SIM1 is on the minus strand). VCF-style: chr6-100393824-C-A. GRCh37 (hg19) VCF-style: chr6-100841700-C-A.
Other names: c.1233G>T, p.Leu411Phe (NM_001374769.1); short protein forms L411F.
Identifiers: ClinVar variation 4165334 (VCV004165334.2).

ClinVar aggregate classification (germline): Uncertain significance. Review status: criteria provided, multiple submitters, no conflicts (2 of 4 stars). 2 submissions from 2 submitters: Uncertain significance (2). Last evaluated 2025-08-04.

Conditions:
Inborn genetic diseases. Identifiers: MedGen C0950123, MeSH D030342.
SIM1-related disorder. Also called: SIM1-related disorders; SIM1-related condition.

Submissions (2):

Ambry Genetics
Classification: Uncertain significance for Inborn genetic diseases. Last evaluated: 2025-08-04. Review status: criteria provided, single submitter. Criteria: Ambry Variant Classification Scheme 2023. Collection method: clinical testing. Allele origin: germline.

PreventionGenetics, part of Exact Sciences
Classification: Uncertain significance for SIM1-related condition. Last evaluated: 2025-04-10. Review status: criteria provided, single submitter. Criteria: ACMG Guidelines, 2015. Collection method: clinical testing. Allele origin: germline.
Comment: The SIM1 c.1233G>T variant is predicted to result in the amino acid substitution p.Leu411Phe. To our knowledge, this variant has not been reported in the literature. This variant is reported in 0.011% of alleles in individuals of African descent in gnomAD. At this time, the clinical significance of this variant is uncertain due to the absence of conclusive functional and genetic evidence.